The following is an entry in ClinVar:

NM_181523.3(PIK3R1):c.5G>A (p.Ser2Asn)

Gene: PIK3R1 (phosphoinositide-3-kinase regulatory subunit 1; plus strand). Cytogenetic location: 5q13.1.
Variant type: single nucleotide variant.
Coding change: c.5G>A on transcript NM_181523.3 (MANE Select); coding-DNA position 5, G replaced by A.
Protein change: p.Ser2Asn; replaces serine 2 with asparagine.
Molecular consequence: missense variant.
Genome position (GRCh38, 1-based): chr5:68,226,680, G>A. VCF-style: chr5-68226680-G-A. GRCh37 (hg19) VCF-style: chr5-67522508-G-A.
Other names: short protein forms S2N.
Identifiers: ClinVar variation 3750170 (VCV003750170.2).

ClinVar aggregate classification (germline): Uncertain significance (1 of 4 stars; one submission).

Conditions:
Agammaglobulinemia 7, autosomal recessive (AGM7). Also called: AGAMMAGLOBULINEMIA, AUTOSOMAL RECESSIVE, DUE TO PIK3R1 DEFECT. Identifiers: MedGen C3554689, MONDO:0014083, OMIM 615214.
Immunodeficiency 36 with lymphoproliferation. Also called: Immunodeficiency 36; ACTIVATED PI3K-DELTA SYNDROME 2; Activated PI3K Delta Syndrome Type 2 (APDS2). Identifiers: Orphanet 397596, Orphanet 693681, MedGen C4014934, MONDO:0014453, OMIM 616005.
SHORT syndrome. Also called: SHORT STATURE, HYPEREXTENSIBILITY, HERNIA, OCULAR DEPRESSION, RIEGER ANOMALY, AND TEETHING DELAY; LIPODYSTROPHY, PARTIAL, WITH RIEGER ANOMALY AND SHORT STATURE; PIK3R1-Related SHORT Syndrome. Identifiers: Orphanet 3163, MedGen C0878684, MONDO:0010026, OMIM 269880.

gnomAD v4.1: 1 of 1,612,352 alleles (0.000062%); highest among the groups gnomAD compares: Non-Finnish European, 0.000085%; no homozygotes.

Submission:

Labcorp Genetics (formerly Invitae), Labcorp
Classification: Uncertain significance for SHORT syndrome; Immunodeficiency 36 with lymphoproliferation; Agammaglobulinemia 7, autosomal recessive. Last evaluated: 2024-09-04. Review status: criteria provided, single submitter. Criteria: Invitae Variant Classification Sherloc (09022015). Collection method: clinical testing. Allele origin: germline.
Comment: This sequence change replaces serine, which is neutral and polar, with asparagine, which is neutral and polar, at codon 2 of the PIK3R1 protein (p.Ser2Asn). This variant is not present in population databases (gnomAD no frequency). This variant has not been reported in the literature in individuals affected with PIK3R1-related conditions. An algorithm developed to predict the effect of missense changes on protein structure and function (PolyPhen-2) suggests that this variant is likely to be disruptive. In summary, the available evidence is currently insufficient to determine the role of this variant in disease. Therefore, it has been classified as a Variant of Uncertain Significance.